The following is an entry in ClinVar:

NM_014264.5(PLK4):c.2382G>T (p.Arg794Ser)

Gene: PLK4 (polo like kinase 4; plus strand). Cytogenetic location: 4q28.1.
Variant type: single nucleotide variant.
Coding change: c.2382G>T on transcript NM_014264.5 (MANE Select); coding-DNA position 2382, G replaced by T.
Protein change: p.Arg794Ser; replaces arginine 794 with serine.
Molecular consequence: missense variant.
Genome position (GRCh38, 1-based): chr4:127,893,572, G>T. VCF-style: chr4-127893572-G-T. GRCh37 (hg19) VCF-style: chr4-128814727-G-T.
Other names: c.2286G>T, p.Arg762Ser (NM_001190799.2); c.2259G>T, p.Arg753Ser (NM_001190801.2); short protein forms R794S, R753S, R762S.
Identifiers: ClinVar variation 935862 (VCV000935862.6), dbSNP rs770775672, ClinGen allele CA3077040.

ClinVar aggregate classification (germline): Uncertain significance (1 of 4 stars; one submission).

Allele frequency attached by ClinVar (database versions not stated): gnomAD exomes below 0.00001; ExAC 0.00001.
gnomAD v4.1: 2 of 1,612,574 alleles (0.00012%); highest among the groups gnomAD compares: Admixed American, 0.0033%; no homozygotes.

Submission:

Labcorp Genetics (formerly Invitae), Labcorp
Classification: Uncertain significance. Last evaluated: 2019-10-04. Review status: criteria provided, single submitter. Criteria: Invitae Variant Classification Sherloc (09022015). Collection method: clinical testing. Allele origin: germline.
Comment: In summary, the available evidence is currently insufficient to determine the role of this variant in disease. Therefore, it has been classified as a Variant of Uncertain Significance. Algorithms developed to predict the effect of missense changes on protein structure and function (SIFT, PolyPhen-2, Align-GVGD) all suggest that this variant is likely to be tolerated, but these predictions have not been confirmed by published functional studies and their clinical significance is uncertain. This variant has not been reported in the literature in individuals with PLK4-related conditions. This variant is present in population databases (rs770775672, ExAC 0.009%). This sequence change replaces arginine with serine at codon 794 of the PLK4 protein (p.Arg794Ser). The arginine residue is weakly conserved and there is a moderate physicochemical difference between arginine and serine.